The following is an entry in ClinVar:

ClinVar aggregate classification (germline): Uncertain significance (1 of 4 stars; one submission).

Allele frequency attached by ClinVar (database versions not stated): gnomAD exomes below 0.00001.
gnomAD v4.1: 7 of 1,612,288 alleles (0.00043%); highest among the groups gnomAD compares: Non-Finnish European, 0.00051%; no homozygotes.

Submission:

Ambry Genetics
Classification: Uncertain significance. Last evaluated: 2026-06-03. Review status: criteria provided, single submitter. Criteria: Ambry Variant Classification Scheme 2023. Collection method: clinical testing. Allele origin: germline.
Comment: The p.E30K variant (also known as c.88G>A), located in coding exon 1 of the GFI1 gene, results from a G to A substitution at nucleotide position 88. The glutamic acid at codon 30 is replaced by lysine, an amino acid with similar properties. This amino acid position is conserved. In addition, this alteration is predicted to be tolerated by in silico analysis. Based on the available evidence, the clinical significance of this variant remains unclear.

NM_005263.5(GFI1):c.88G>A (p.Glu30Lys)

Gene: GFI1 (growth factor independent 1 transcriptional repressor; minus strand). Cytogenetic location: 1p22.1.
Variant type: single nucleotide variant.
Coding change: c.88G>A on transcript NM_005263.5 (MANE Select); coding-DNA position 88, G replaced by A.
Protein change: p.Glu30Lys; replaces glutamic acid 30 with lysine.
Molecular consequence: missense variant.
Genome position (GRCh38, 1-based): chr1:92,483,400, C>T on the plus strand (G>A on the coding strand, the complement: GFI1 is on the minus strand). VCF-style: chr1-92483400-C-T. GRCh37 (hg19) VCF-style: chr1-92948957-C-T.
Other names: c.88G>A, p.Glu30Lys (NM_001127215.3, NM_001127216.3); short protein forms E30K.
Identifiers: ClinVar variation 2324810 (VCV002324810.3), dbSNP rs2524742143, ClinGen allele CA341150725.
Genomic context (GRCh38, chr1:92,483,400, plus strand): 5'-AGCAGCCCCGCCTGGCCCGCGCGCGCCTCGCACCTGCTCGGCTAGGCGCCGGTACATTCT[C>T]TAAACGGAGGGAATAGTCTGGTCCTGGGGAGCGCGGCTGGTGGTAGCTGTGAGCCTTCTT-3'
Protein context (NP_005254.2, residues 20-40): SPGPDYSLRL[Glu30Lys]NVPAPSRADS